The following is an entry in ClinVar:

NM_016148.5(SHANK1):c.4661T>C (p.Val1554Ala)

Gene: SHANK1 (SH3 and multiple ankyrin repeat domains 1; minus strand). Cytogenetic location: 19q13.33.
Variant type: single nucleotide variant.
Coding change: c.4661T>C on transcript NM_016148.5 (MANE Select); coding-DNA position 4661, T replaced by C.
Protein change: p.Val1554Ala; replaces valine 1554 with alanine.
Molecular consequence: missense variant.
Genome position (GRCh38, 1-based): chr19:50,667,299, A>G on the plus strand (T>C on the coding strand, the complement: SHANK1 is on the minus strand). VCF-style: chr19-50667299-A-G. GRCh37 (hg19) VCF-style: chr19-51170556-A-G.
Other names: short protein forms V1554A.
Identifiers: ClinVar variation 4077255 (VCV004077255.1).

ClinVar aggregate classification (germline): Uncertain significance (1 of 4 stars; one submission).

gnomAD v4.1: 4 of 1,593,332 alleles (0.00025%); highest among the groups gnomAD compares: Non-Finnish European, 0.00034%; no homozygotes.

Submission:

GeneDx
Classification: Uncertain significance. Last evaluated: 2025-02-28. Review status: criteria provided, single submitter. Criteria: GeneDx Variant Classification Process June 2021. Collection method: clinical testing. Allele origin: germline. Affected: yes.
Comment: Not observed at significant frequency in large population cohorts (gnomAD); In silico analysis supports that this missense variant has a deleterious effect on protein structure/function; Has not been previously published as pathogenic or benign to our knowledge